The following is an entry in ClinVar:

NM_181486.4(TBX5):c.1113G>A (p.Glu371=)

Gene: TBX5 (T-box transcription factor 5; minus strand). Cytogenetic location: 12q24.21.
Variant type: single nucleotide variant.
Coding change: c.1113G>A on transcript NM_181486.4 (MANE Select); coding-DNA position 1113, G replaced by A.
Protein change: p.Glu371=; no amino-acid change (glutamic acid 371 retained).
Molecular consequence: synonymous variant.
Genome position (GRCh38, 1-based): chr12:114,355,976, C>T on the plus strand (G>A on the coding strand, the complement: TBX5 is on the minus strand). VCF-style: chr12-114355976-C-T. GRCh37 (hg19) VCF-style: chr12-114793781-C-T.
Other names: c.1113G>A, p.Glu371= (NM_000192.3); c.963G>A, p.Glu321= (NM_080717.4).
Identifiers: ClinVar variation 1560961 (VCV001560961.12), dbSNP rs757158327, ClinGen allele CA6809408.

ClinVar aggregate classification (germline): Likely benign. Review status: criteria provided, multiple submitters, no conflicts (2 of 4 stars). 4 submissions from 4 submitters: Likely benign (4). Last evaluated 2026-02-17.

Conditions:
TBX5-related disorder. Also called: TBX5-related condition.
Aortic valve disease 2 (AOVD2). Identifiers: MedGen C3542024, MONDO:0013902, OMIM 614823.
Cardiovascular phenotype. Identifiers: MedGen CN230736.

Allele frequency attached by ClinVar (database versions not stated): gnomAD exomes 0.00002 and 0.00007; TOPMed 0.00002; ExAC 0.00003; gnomAD 0.00003.
gnomAD v4.1: 96 of 1,614,016 alleles (0.0059%); highest among the groups gnomAD compares: Non-Finnish European, 0.0081%; no homozygotes.

Submissions (4):

PreventionGenetics, part of Exact Sciences
Classification: Likely benign for TBX5-related condition. Last evaluated: 2026-02-17. Review status: criteria provided, single submitter. Criteria: ACMG Guidelines, 2015. Collection method: clinical testing. Allele origin: germline.
Comment: This variant is classified as likely benign based on ACMG/AMP sequence variant interpretation guidelines (Richards et al. 2015 PMID: 25741868, with internal and published modifications).

Labcorp Genetics (formerly Invitae), Labcorp
Classification: Likely benign for Aortic valve disease 2. Last evaluated: 2025-07-10. Review status: criteria provided, single submitter. Criteria: Invitae Variant Classification Sherloc (09022015). Collection method: clinical testing. Allele origin: germline.

Blueprint Genetics
Classification: Likely benign. Last evaluated: 2024-06-14. Review status: criteria provided, single submitter. Criteria: ACMG Guidelines, 2015. Collection method: clinical testing. Allele origin: germline.

Ambry Genetics
Classification: Likely benign for Cardiovascular phenotype. Last evaluated: 2019-05-08. Review status: criteria provided, single submitter. Criteria: Ambry Variant Classification Scheme 2023. Collection method: clinical testing. Allele origin: germline.